The following is an entry in ClinVar:

ClinVar aggregate classification (germline): Uncertain significance (1 of 4 stars; one submission).

gnomAD v4.1: 1 of 1,613,826 alleles (0.000062%); highest among the groups gnomAD compares: Non-Finnish European, 0.000085%; no homozygotes.

Submission:

Ambry Genetics
Classification: Uncertain significance. Last evaluated: 2025-03-23. Review status: criteria provided, single submitter. Criteria: Ambry Variant Classification Scheme 2023. Collection method: clinical testing. Allele origin: germline.
Comment: The p.A119V variant (also known as c.356C>T), located in coding exon 2 of the MYOM1 gene, results from a C to T substitution at nucleotide position 356. The alanine at codon 119 is replaced by valine, an amino acid with similar properties. This amino acid position is conserved. In addition, this alteration is predicted to be tolerated by in silico analysis. Based on the available evidence, the clinical significance of this variant remains unclear.

NM_003803.4(MYOM1):c.356C>T (p.Ala119Val)

Gene: MYOM1 (myomesin 1; minus strand). Cytogenetic location: 18p11.31.
Variant type: single nucleotide variant.
Coding change: c.356C>T on transcript NM_003803.4 (MANE Select); coding-DNA position 356, C replaced by T.
Protein change: p.Ala119Val; replaces alanine 119 with valine.
Molecular consequence: missense variant.
Genome position (GRCh38, 1-based): chr18:3,193,893, G>A on the plus strand (C>T on the coding strand, the complement: MYOM1 is on the minus strand). VCF-style: chr18-3193893-G-A. GRCh37 (hg19) VCF-style: chr18-3193891-G-A.
Other names: c.356C>T, p.Ala119Val (NM_019856.2); short protein forms A119V.
Identifiers: ClinVar variation 3916544 (VCV003916544.1).